The following is an entry in ClinVar:

NM_177438.3(DICER1):c.3802_3806delinsGAAT (p.Ile1268fs)

Gene: DICER1 (dicer 1, ribonuclease III; minus strand). Cytogenetic location: 14q32.13.
Variant type: Indel.
Coding change: c.3802_3806delinsGAAT on transcript NM_177438.3 (MANE Select); coding-DNA positions 3802 to 3806, ATTCA replaced by GAAT.
Protein change: p.Ile1268fs; shifts the reading frame from isoleucine 1268.
Molecular consequence: frameshift variant. On other transcripts: non-coding transcript variant (6).
Genome position (GRCh38, 1-based): chr14:95,103,590-95,103,594, TGAAT replaced by ATTC on the plus strand (ATTCA replaced by GAAT on the coding strand, the reverse complement: DICER1 is on the minus strand). VCF-style: chr14-95103590-TGAAT-ATTC. GRCh37 (hg19) VCF-style: chr14-95569927-TGAAT-ATTC.
Other names: c.3802_3806delinsGAAT, p.Ile1268fs (NM_001195573.1, NM_001271282.3, NM_001291628.2 and 12 more transcripts); c.3802_3806delATTCAinsGAAT, p.Ile1268Glufs (NM_001395681.1); c.3520_3524delinsGAAT, p.Ile1174fs (NM_001395686.1); c.3397_3401delinsGAAT, p.Ile1133fs (NM_001395687.1, NM_001395688.1, NM_001395689.1 and 2 more transcripts); c.3235_3239delinsGAAT, p.Ile1079fs (NM_001395691.1); c.2119_2123delinsGAAT, p.Ile707fs (NM_001395697.1); short protein forms I1174fs, I1133fs, I1079fs, I1268fs, I707fs.
Identifiers: ClinVar variation 1735075 (VCV001735075.2), dbSNP rs2542695619, ClinGen allele CA2580088944.
Genomic context (GRCh38, chr14:95,103,590, plus strand): 5'-GTCCTTGAGGAGTACCCAATAGAAGGGCTCTGCTCAGAATCCATCCTGCCCTTGAGCACT[TGAAT>ATTC]AGTGTCTGTCGTACCAGGCATTACGGCCATCACAGGACTTCCATCTGAGGTAGATTTGTT-3'

ClinVar aggregate classification (germline): Pathogenic (1 of 4 stars; one submission).

Conditions:
Hereditary cancer-predisposing syndrome. Also called: Neoplastic Syndromes, Hereditary; Tumor predisposition; Hereditary Cancer Syndrome; Hereditary neoplastic syndrome. Identifiers: Orphanet 140162, MedGen C0027672, MeSH D009386, MONDO:0015356.

Submission:

Ambry Genetics
Classification: Pathogenic for Hereditary cancer-predisposing syndrome. Last evaluated: 2021-02-08. Review status: criteria provided, single submitter. Criteria: Ambry Variant Classification Scheme 2023. Collection method: clinical testing. Allele origin: germline.
Comment: The c.3802_3806delATTCAinsGAAT pathogenic mutation, located in coding exon 20 of the DICER1 gene, results from the deletion of 5 nucleotides and insertion of 4 nucleotides causing a translational frameshift with a predicted alternate stop codon (p.I1268Efs*2). This alteration is expected to result in loss of function by premature protein truncation or nonsense-mediated mRNA decay. As such, this alteration is interpreted as a disease-causing mutation.